The following is an entry in ClinVar:

ClinVar aggregate classification (germline): Uncertain significance (1 of 4 stars; one submission).

Conditions:
Fanconi anemia (FA). Also called: Fanconi's anemia. Identifiers: Orphanet 84, MedGen C0015625, MeSH D005199, MONDO:0019391.

gnomAD v4.1: 1 of 1,613,980 alleles (0.000062%); highest among the groups gnomAD compares: Non-Finnish European, 0.000085%; no homozygotes.

Submission:

Labcorp Genetics (formerly Invitae), Labcorp
Classification: Uncertain significance for Fanconi anemia. Last evaluated: 2020-06-28. Review status: criteria provided, single submitter. Criteria: Invitae Variant Classification Sherloc (09022015). Collection method: clinical testing. Allele origin: germline.
Comment: This sequence change replaces glutamic acid with lysine at codon 1431 of the FANCA protein (p.Glu1431Lys). The glutamic acid residue is highly conserved and there is a small physicochemical difference between glutamic acid and lysine. In summary, the available evidence is currently insufficient to determine the role of this variant in disease. Therefore, it has been classified as a Variant of Uncertain Significance. Algorithms developed to predict the effect of missense changes on protein structure and function are either unavailable or do not agree on the potential impact of this missense change (SIFT: "Deleterious"; PolyPhen-2: "Benign"; Align-GVGD: "Class C0"). This variant has not been reported in the literature in individuals with FANCA-related conditions. This variant is not present in population databases (ExAC no frequency).

NM_000135.4(FANCA):c.4291G>A (p.Glu1431Lys)

Genes: FANCA (FA complementation group A; minus strand), ZNF276 (zinc finger protein 276; plus strand). Cytogenetic location: 16q24.3.
Variant type: single nucleotide variant.
Coding change: c.4291G>A on transcript NM_000135.4 (MANE Select); coding-DNA position 4291, G replaced by A.
Protein change: p.Glu1431Lys; replaces glutamic acid 1431 with lysine.
Molecular consequence: missense variant. On other transcripts: 3 prime UTR variant (3), non-coding transcript variant (4).
Genome position (GRCh38, 1-based): chr16:89,738,678, C>T on the plus strand (G>A on the coding strand, the complement: FANCA is on the minus strand). VCF-style: chr16-89738678-C-T. GRCh37 (hg19) VCF-style: chr16-89805086-C-T.
Other names: c.*20G>A (NM_001286167.3); c.*432C>T (NM_001113525.2, NM_152287.4); short protein forms E1431K.
Identifiers: ClinVar variation 1023211 (VCV001023211.8), dbSNP rs1567591125, ClinGen allele CA397483102.
Genomic context (GRCh38, chr16:89,738,678, plus strand): 5'-CCTGGGACAGGTCAGCGTCAGGGGCAGCCTGCTGTCTGCTCTGGAGGGCGGCGCTCACCT[C>T]TGGGTCGCAGTCCCCACGATCAGCCAGCAGCTGTGAGAGAGGAGCAGGTCCTCAGCCCAT-3'
Protein context (NP_000126.2, residues 1421-1441): LLADRGDCDP[Glu1431Lys]VSAALQSRQQ